The following is an entry in ClinVar:

NM_001286.5(CLCN6):c.1687G>A (p.Val563Met)

Gene: CLCN6 (chloride voltage-gated channel 6; plus strand). Cytogenetic location: 1p36.22.
Variant type: single nucleotide variant.
Coding change: c.1687G>A on transcript NM_001286.5 (MANE Select); coding-DNA position 1687, G replaced by A.
Protein change: p.Val563Met; replaces valine 563 with methionine.
Molecular consequence: missense variant. On other transcripts: non-coding transcript variant (1).
Genome position (GRCh38, 1-based): chr1:11,834,484, G>A. VCF-style: chr1-11834484-G-A. GRCh37 (hg19) VCF-style: chr1-11894541-G-A.
Other names: c.1621G>A, p.Val541Met (NM_001256959.2); short protein forms V563M, V541M.
Identifiers: ClinVar variation 3658614 (VCV003658614.2).
Genomic context (GRCh38, chr1:11,834,484, plus strand): 5'-AGGCTCAGGGCCACGTCCGCCCCACAGGACCTATTTTTAGGTCTTTGCTTTGTGTTTCAG[G>A]TGGCCAAATGGACAGGGGACTTTTTCAATAAGGGCATTTATGATATCCACGTGGGCCTGC-3'
Protein context (NP_001277.2, residues 553-573): YGLPIMVTLM[Val563Met]AKWTGDFFNK

ClinVar aggregate classification (germline): Uncertain significance (1 of 4 stars; one submission).

gnomAD v4.1: 1 of 1,614,154 alleles (0.000062%); highest among the groups gnomAD compares: Non-Finnish European, 0.000085%; no homozygotes.

Submission:

Labcorp Genetics (formerly Invitae), Labcorp
Classification: Uncertain significance. Last evaluated: 2024-08-05. Review status: criteria provided, single submitter. Criteria: Invitae Variant Classification Sherloc (09022015). Collection method: clinical testing. Allele origin: germline.
Comment: This sequence change replaces valine, which is neutral and non-polar, with methionine, which is neutral and non-polar, at codon 563 of the CLCN6 protein (p.Val563Met). This variant is not present in population databases (gnomAD no frequency). This variant has not been reported in the literature in individuals affected with CLCN6-related conditions. An algorithm developed to predict the effect of missense changes on protein structure and function (PolyPhen-2) suggests that this variant is likely to be disruptive. In summary, the available evidence is currently insufficient to determine the role of this variant in disease. Therefore, it has been classified as a Variant of Uncertain Significance.